The following is an entry in ClinVar:

ClinVar aggregate classification (germline): Benign. Review status: criteria provided, multiple submitters, no conflicts (2 of 4 stars). 3 submissions from 3 submitters: Benign (2). 1 of the submissions does not count toward it. Last evaluated 2026-01-20.

Conditions:
CHST6-related disorder. Also called: CHST6-related condition.
Macular corneal dystrophy (MCD). Also called: GROENOUW TYPE II CORNEAL DYSTROPHY; Macular corneal dystrophy Type I. Identifiers: Orphanet 98969, MedGen C1636149, MONDO:0009020, OMIM 217800.

Allele frequency attached by ClinVar (database versions not stated): gnomAD exomes 0.00028 and 0.00062; ExAC 0.00095; 1000 Genomes Project 30x 0.00234; 1000 Genomes Project 0.00240; gnomAD 0.00258 and 0.00284; TOPMed 0.00286; ESP Exome Variant Server 0.00324.
gnomAD v4.1: 813 of 1,607,734 alleles (0.051%); highest among the groups gnomAD compares: African/African-American, 0.99%; 6 homozygotes.

Submissions (3):

Labcorp Genetics (formerly Invitae), Labcorp
Classification: Benign for Macular corneal dystrophy. Last evaluated: 2026-01-20. Review status: criteria provided, single submitter. Criteria: Invitae Variant Classification Sherloc (09022015). Collection method: clinical testing. Allele origin: germline.

Illumina Laboratory Services, Illumina
Classification: Benign for Macular corneal dystrophy. Last evaluated: 2018-01-13. Review status: criteria provided, single submitter. Criteria: ICSL Variant Classification Criteria 13 December 2019. Collection method: clinical testing. Allele origin: germline.
Comment: This variant was observed in the ICSL laboratory as part of a predisposition screen in an ostensibly healthy population. It had not been previously curated by ICSL or reported in the Human Gene Mutation Database (HGMD: prior to June 1st, 2018), and was therefore a candidate for classification through an automated scoring system. Utilizing variant allele frequency, disease prevalence and penetrance estimates, and inheritance mode, an automated score was calculated to assess if this variant is too frequent to cause the disease. Based on the score and internal cut-off values, a variant classified as benign is not then subjected to further curation. The score for this variant resulted in a classification of benign for this disease.

PreventionGenetics, part of Exact Sciences
Classification: Benign for CHST6-related condition. Last evaluated: 2019-11-11. Review status: no assertion criteria provided. Collection method: clinical testing. Allele origin: germline. Not counted in ClinVar's aggregate classification.
Comment: This variant is classified as benign based on ACMG/AMP sequence variant interpretation guidelines (Richards et al. 2015 PMID: 25741868, with internal and published modifications).

NM_021615.5(CHST6):c.666C>T (p.Asn222=)

Gene: CHST6 (carbohydrate sulfotransferase 6; minus strand). Cytogenetic location: 16q23.1.
Variant type: single nucleotide variant.
Coding change: c.666C>T on transcript NM_021615.5 (MANE Select); coding-DNA position 666, C replaced by T.
Protein change: p.Asn222=; no amino-acid change (asparagine 222 retained).
Molecular consequence: synonymous variant.
Genome position (GRCh38, 1-based): chr16:75,479,163, G>A on the plus strand (C>T on the coding strand, the complement: CHST6 is on the minus strand). VCF-style: chr16-75479163-G-A. GRCh37 (hg19) VCF-style: chr16-75513061-G-A.
Identifiers: ClinVar variation 320610 (VCV000320610.17), dbSNP rs148529501, ClinGen allele CA8175433.
Genomic context (GRCh38, chr16:75,479,163, plus strand): 5'-CACCACGCGCAGGCCGGGGTCGGCCTCCACCCACGTGCCGTTGGTGCCCAGCACGATGCC[G>A]TTGTCACGCGCCAGAGCCTTGGCTGTCTGCTCCCGGGAGCGCAGCACGGCCCGCGGGTCG-3'
Protein context (NP_067628.1, residues 212-232): EQTAKALARD[Asn222=]GIVLGTNGTW